The following is an entry in ClinVar:

NM_007194.4(CHEK2):c.746dup (p.Ile250fs)

Gene: CHEK2 (checkpoint kinase 2; minus strand). Cytogenetic location: 22q12.1.
Variant type: Duplication.
Coding change: c.746dup on transcript NM_007194.4 (MANE Select); coding-DNA position 746, one base duplicated (A; older notation c.746dupA).
Protein change: p.Ile250fs; shifts the reading frame from isoleucine 250.
Molecular consequence: frameshift variant.
Genome position (GRCh38, 1-based): chr22:28,711,955, T duplicated on the plus strand (A on the coding strand, the reverse complement: CHEK2 is on the minus strand); the first of 3 consecutive T bases (chr22:28,711,955-28,711,957); duplicating any one gives the same sequence. VCF-style (leftmost placement, unchanged base first): chr22-28711954-C-CT. GRCh37 (hg19) VCF-style: chr22-29107942-C-CT.
Other names: c.873dup, p.Ile293Aspfs (NM_001005735.3); c.81dup, p.Ile29Aspfs (NM_001257387.3); c.543dup, p.Ile183Aspfs (NM_001349956.3); c.744dup, p.Ile250Aspfs (NM_145862.3); short protein forms I183fs, I250fs, I293fs, I29fs.
Identifiers: ClinVar variation 2583499 (VCV002583499.2), dbSNP rs2517961150, ClinGen allele CA2582342770.

ClinVar aggregate classification (germline): Pathogenic (1 of 4 stars; one submission).

Conditions:
Familial cancer of breast. Also called: Hereditary breast cancer; BREAST CANCER, FAMILIAL; hereditary breast carcinoma. Identifiers: Orphanet 227535, MedGen C0346153, MONDO:0016419, OMIM 114480. Disease mechanism: loss of function.

Submission:

Myriad Genetics, Inc.
Classification: Pathogenic for Familial cancer of breast. Last evaluated: 2023-06-26. Review status: criteria provided, single submitter. Criteria: Myriad Autosomal Dominant, Autosomal Recessive and X-Linked Classification Criteria (2023). Collection method: clinical testing. Allele origin: unknown.
Comment: This variant is considered pathogenic. This variant creates a frameshift predicted to result in premature protein truncation.